The following is an entry in ClinVar:

NM_206933.4(USH2A):c.1444G>A (p.Ala482Thr)

Gene: USH2A (usherin; minus strand). Cytogenetic location: 1q41.
Variant type: single nucleotide variant.
Coding change: c.1444G>A on transcript NM_206933.4 (MANE Select); coding-DNA position 1444, G replaced by A.
Protein change: p.Ala482Thr; replaces alanine 482 with threonine.
Molecular consequence: missense variant.
Genome position (GRCh38, 1-based): chr1:216,323,580, C>T on the plus strand (G>A on the coding strand, the complement: USH2A is on the minus strand). VCF-style: chr1-216323580-C-T. GRCh37 (hg19) VCF-style: chr1-216496922-C-T.
Other names: c.1444G>A, p.Ala482Thr (NM_007123.6); short protein forms A482T.
Identifiers: ClinVar variation 1487946 (VCV001487946.5), dbSNP rs767953686, ClinGen allele CA344910003.

ClinVar aggregate classification (germline): Uncertain significance (1 of 4 stars; one submission).

Submission:

Labcorp Genetics (formerly Invitae), Labcorp
Classification: Uncertain significance. Last evaluated: 2021-08-14. Review status: criteria provided, single submitter. Criteria: Invitae Variant Classification Sherloc (09022015). Collection method: clinical testing. Allele origin: germline.
Comment: This sequence change replaces alanine with threonine at codon 482 of the USH2A protein (p.Ala482Thr). The alanine residue is highly conserved and there is a small physicochemical difference between alanine and threonine. This variant is not present in population databases (ExAC no frequency). This variant has not been reported in the literature in individuals affected with USH2A-related conditions. Algorithms developed to predict the effect of missense changes on protein structure and function (SIFT, PolyPhen-2, Align-GVGD) all suggest that this variant is likely to be disruptive. In summary, the available evidence is currently insufficient to determine the role of this variant in disease. Therefore, it has been classified as a Variant of Uncertain Significance.